The following is an entry in ClinVar:

NM_001111.5(ADAR):c.3445C>T (p.Pro1149Ser)

Gene: ADAR (adenosine deaminase RNA specific; minus strand). Cytogenetic location: 1q21.3.
Variant type: single nucleotide variant.
Coding change: c.3445C>T on transcript NM_001111.5 (MANE Select); coding-DNA position 3445, C replaced by T.
Protein change: p.Pro1149Ser; replaces proline 1149 with serine.
Molecular consequence: missense variant.
Genome position (GRCh38, 1-based): chr1:154,585,042, G>A on the plus strand (C>T on the coding strand, the complement: ADAR is on the minus strand). VCF-style: chr1-154585042-G-A. GRCh37 (hg19) VCF-style: chr1-154557518-G-A.
Other names: c.2560C>T, p.Pro854Ser (NM_001025107.3, NM_001193495.2, NM_001365046.1 and 2 more transcripts); c.3472C>T, p.Pro1158Ser (NM_001365045.1); c.2482C>T, p.Pro828Ser (NM_001365049.1); c.3367C>T, p.Pro1123Ser (NM_015840.4); c.3310C>T, p.Pro1104Ser (NM_015841.4); short protein forms P854S, P1149S, P1158S, P828S, P1104S, P1123S.
Identifiers: ClinVar variation 1361614 (VCV001361614.8), dbSNP rs2101558262, ClinGen allele CA342634939.

ClinVar aggregate classification (germline): Uncertain significance (1 of 4 stars; one submission).

Conditions:
Aicardi-Goutieres syndrome 6 (AGS6). Identifiers: Orphanet 51, MedGen C3539013, MONDO:0014007, OMIM 615010.
Symmetrical dyschromatosis of extremities (DSH). Also called: Dyschromatosis symmetrica hereditaria; RETICULATE ACROPIGMENTATION OF DOHI; SYMMETRIC DYSCHROMATOSIS OF THE EXTREMITIES; DYSCHROMATOSIS SYMMETRICA HEREDITARIA 1. Identifiers: Orphanet 41, MedGen C0406775, MONDO:0007483, OMIM 127400.

Submission:

Labcorp Genetics (formerly Invitae), Labcorp
Classification: Uncertain significance for Aicardi-Goutieres syndrome 6; Symmetrical dyschromatosis of extremities. Last evaluated: 2021-06-16. Review status: criteria provided, single submitter. Criteria: Invitae Variant Classification Sherloc (09022015). Collection method: clinical testing. Allele origin: germline.
Comment: This sequence change replaces proline with serine at codon 1149 of the ADAR protein (p.Pro1149Ser). The proline residue is moderately conserved and there is a moderate physicochemical difference between proline and serine. In summary, the available evidence is currently insufficient to determine the role of this variant in disease. Therefore, it has been classified as a Variant of Uncertain Significance. Algorithms developed to predict the effect of missense changes on protein structure and function are either unavailable or do not agree on the potential impact of this missense change (SIFT: "Tolerated"; PolyPhen-2: "Possibly Damaging"; Align-GVGD: "Class C0"). This variant has not been reported in the literature in individuals with ADAR-related conditions. This variant is not present in population databases (ExAC no frequency).